The following is an entry in ClinVar:

ClinVar aggregate classification (germline): Uncertain significance (1 of 4 stars; one submission).

gnomAD v4.1: 1 of 1,612,568 alleles (0.000062%); no homozygotes.

Submission:

Dasa
Classification: Uncertain significance. Last evaluated: 2025-11-27. Review status: criteria provided, single submitter. Criteria: DASA Assertion Criteria. Collection method: clinical testing. Allele origin: germline.
Comment: NM_000093.5(COL5A1):c.4334C>T (p.Pro1445Leu) is a missense variant that results in the substitution of proline with leucine. This variant is rare in population databases. Computational prediction algorithms are consistent with a deleterious effect. The currently available literature and clinical evidence are not sufficient to establish a definitive association between this variant and the reported condition. Therefore, this variant is classified as a variant of uncertain significance.

NM_000093.5(COL5A1):c.4334C>T (p.Pro1445Leu)

Gene: COL5A1 (collagen type V alpha 1 chain; plus strand). Cytogenetic location: 9q34.3.
Variant type: single nucleotide variant.
Coding change: c.4334C>T on transcript NM_000093.5 (MANE Select); coding-DNA position 4334, C replaced by T.
Protein change: p.Pro1445Leu; replaces proline 1445 with leucine.
Molecular consequence: missense variant.
Genome position (GRCh38, 1-based): chr9:134,818,759, C>T. VCF-style: chr9-134818759-C-T. GRCh37 (hg19) VCF-style: chr9-137710605-C-T.
Other names: c.4334C>T, p.Pro1445Leu (NM_001278074.1); short protein forms P1445L.
Identifiers: ClinVar variation 4881518 (VCV004881518.2).